The following is an entry in ClinVar:

NM_172107.4(KCNQ2):c.1784G>A (p.Arg595Gln)

Gene: KCNQ2 (potassium voltage-gated channel subfamily Q member 2; minus strand). Cytogenetic location: 20q13.33.
Variant type: single nucleotide variant.
Coding change: c.1784G>A on transcript NM_172107.4 (MANE Select); coding-DNA position 1784, G replaced by A.
Protein change: p.Arg595Gln; replaces arginine 595 with glutamine.
Molecular consequence: missense variant.
Genome position (GRCh38, 1-based): chr20:63,408,516, C>T on the plus strand (G>A on the coding strand, the complement: KCNQ2 is on the minus strand). VCF-style: chr20-63408516-C-T. GRCh37 (hg19) VCF-style: chr20-62039869-C-T.
Other names: c.1838G>A, p.Arg613Gln (NM_001382235.1); c.1727G>A, p.Arg576Gln (NM_001439003.1); c.1697G>A, p.Arg566Gln (NM_001439004.1); c.1700G>A, p.Arg567Gln (NM_004518.6); c.1730G>A, p.Arg577Gln (NM_172106.3); c.1691G>A, p.Arg564Gln (NM_172108.5); short protein forms R564Q, R566Q, R567Q, R576Q, R577Q, R595Q, R613Q.
Identifiers: ClinVar variation 4858671 (VCV004858671.2).

ClinVar aggregate classification (germline): Uncertain significance. Review status: criteria provided, multiple submitters, no conflicts (2 of 4 stars). 2 submissions from 2 submitters: Uncertain significance (2). Last evaluated 2026-04-28.

Conditions:
Inborn genetic diseases. Identifiers: MedGen C0950123, MeSH D030342.

gnomAD v4.1: 4 of 1,610,338 alleles (0.00025%); highest among the groups gnomAD compares: Non-Finnish European, 0.00025%; no homozygotes.

Submissions (2):

Ambry Genetics
Classification: Uncertain significance for Inborn genetic diseases. Last evaluated: 2026-04-28. Review status: criteria provided, single submitter. Criteria: Ambry Variant Classification Scheme 2023. Collection method: clinical testing. Allele origin: germline.
Comment: The c.1784G>A (p.R595Q) alteration is located in exon 16 (coding exon 16) of the KCNQ2 gene. This alteration results from a G to A substitution at nucleotide position 1784, causing the arginine (R) at amino acid position 595 to be replaced by a glutamine (Q). The Genome Aggregation Database (gnomAD) data for this variant is unreliable due to technical and/or biological issues; therefore, population frequency estimates were not considered. Another variant at the same codon, c.1783C>T (p.R595W), has been identified in individual(s) with features consistent with KCNQ2-related seizure disorder (Dyment, 2015). This amino acid position is well conserved in available vertebrate species. The in silico prediction for this alteration is inconclusive. Based on insufficient or conflicting evidence, the clinical significance of this alteration remains unclear.

Blueprint Genetics
Classification: Uncertain significance. Last evaluated: 2024-10-24. Review status: criteria provided, single submitter. Criteria: ACMG Guidelines, 2015. Collection method: clinical testing. Allele origin: germline.

Literature cited by the submitters: PubMed 25046240 (cited by Ambry Genetics).